The following is an entry in ClinVar:

ClinVar aggregate classification (germline): Uncertain significance. Review status: criteria provided, multiple submitters, no conflicts (2 of 4 stars). 2 submissions from 2 submitters: Uncertain significance (2). Last evaluated 2022-10-11.

Conditions:
HYOU1-related disorder. Also called: HYOU1-related condition.

Allele frequency attached by ClinVar (database versions not stated): gnomAD exomes below 0.00001; TOPMed below 0.00001.

Submissions (2):

PreventionGenetics, part of Exact Sciences
Classification: Uncertain significance for HYOU1-related condition. Last evaluated: 2022-10-11. Review status: criteria provided, single submitter. Criteria: ACMG Guidelines, 2015. Collection method: clinical testing. Allele origin: germline.
Comment: The HYOU1 c.1705dupG variant is predicted to result in a frameshift and premature protein termination (p.Glu569Glyfs*31). To our knowledge, this variant has not been reported in the literature or in a large population database, indicating this variant is rare. Loss of function variants in HYOU1, such as this frameshift variant, are not yet an established mechanism of disease. Therefore, at this time, the clinical significance of this variant is uncertain due to the absence of conclusive functional and genetic evidence.

Labcorp Genetics (formerly Invitae), Labcorp
Classification: Uncertain significance. Last evaluated: 2021-11-22. Review status: criteria provided, single submitter. Criteria: Invitae Variant Classification Sherloc (09022015). Collection method: clinical testing. Allele origin: germline.
Comment: In summary, the available evidence is currently insufficient to determine the role of this variant in disease. Therefore, it has been classified as a Variant of Uncertain Significance. This variant has not been reported in the literature in individuals affected with HYOU1-related conditions. This variant is not present in population databases (gnomAD no frequency). This sequence change creates a premature translational stop signal (p.Glu569Glyfs*31) in the HYOU1 gene. It is expected to result in an absent or disrupted protein product. However, the current clinical and genetic evidence is not sufficient to establish whether loss-of-function variants in HYOU1 cause disease.

NM_006389.5(HYOU1):c.1705dup (p.Glu569fs)

Gene: HYOU1 (hypoxia up-regulated 1; minus strand). Cytogenetic location: 11q23.3.
Variant type: Duplication.
Coding change: c.1705dup on transcript NM_006389.5 (MANE Select); coding-DNA position 1705, one base duplicated (G; older notation c.1705dupG).
Protein change: p.Glu569fs; shifts the reading frame from glutamic acid 569.
Molecular consequence: frameshift variant.
Genome position (GRCh38, 1-based): chr11:119,049,798, C duplicated on the plus strand (G on the coding strand, the reverse complement: HYOU1 is on the minus strand). VCF-style (leftmost placement, unchanged base first): chr11-119049797-T-TC. GRCh37 (hg19) VCF-style: chr11-118920509-T-TC.
Other names: c.1705dup, p.Glu569fs (NM_001130991.3); c.1705dupG (NM_006389.4); short protein forms E569fs.
Identifiers: ClinVar variation 1397318 (VCV001397318.6), dbSNP rs1412782130, ClinGen allele CA672393865.